The following is an entry in ClinVar:

ClinVar aggregate classification (germline): Uncertain significance (1 of 4 stars; one submission).

Conditions:
Gorlin syndrome. Also called: Basal cell nevus syndrome; Nevoid Basal Cell Carcinoma Syndrome. Identifiers: Orphanet 377, MedGen C0004779, MONDO:0007187.

Submission:

Labcorp Genetics (formerly Invitae), Labcorp
Classification: Uncertain significance for Gorlin syndrome. Last evaluated: 2024-10-07. Review status: criteria provided, single submitter. Criteria: Invitae Variant Classification Sherloc (09022015). Collection method: clinical testing. Allele origin: germline.
Comment: This sequence change affects an acceptor splice site in intron 2 of the PTCH1 gene. RNA analysis indicates that disruption of this splice site induces altered splicing and likely results in the loss of 2 amino acid residue(s), but is expected to preserve the integrity of the reading-frame. This variant is not present in population databases (gnomAD no frequency). This variant has not been reported in the literature in individuals affected with PTCH1-related conditions. Studies have shown that disruption of this splice site results in the activation of a cryptic splice site in exon 3 (internal data). In summary, the available evidence is currently insufficient to determine the role of this variant in disease. Therefore, it has been classified as a Variant of Uncertain Significance.

NM_000264.5(PTCH1):c.395-2A>G

Gene: PTCH1 (patched 1; minus strand). Cytogenetic location: 9q22.32.
Variant type: single nucleotide variant.
Coding change: c.395-2A>G on transcript NM_000264.5 (MANE Select); the canonical splice acceptor site of the intron before coding-DNA position 395, A replaced by G.
Molecular consequence: splice acceptor variant.
Genome position (GRCh38, 1-based): chr9:95,485,876, T>C on the plus strand (A>G on the coding strand, the complement: PTCH1 is on the minus strand). VCF-style: chr9-95485876-T-C. GRCh37 (hg19) VCF-style: chr9-98248158-T-C.
Other names: c.392-2A>G (NM_001083603.3); c.197-2A>G (NM_001083602.3, NM_001354919.2); c.395-2A>G (NM_001354918.2); c.-59-2A>G (NM_001083605.3, NM_001083604.3, NM_001083606.3 and 1 more transcripts).
Identifiers: ClinVar variation 3714998 (VCV003714998.2).